The following is an entry in ClinVar:

ClinVar aggregate classification (germline): Benign (1 of 4 stars; one submission).

Allele frequency attached by ClinVar (database versions not stated): 1000 Genomes Project 0.26857; 1000 Genomes Project 30x 0.26858; TOPMed 0.26908; gnomAD 0.29018 and 0.29349.
gnomAD v4.1: 44,639 of 151,938 alleles (29%); highest among the groups gnomAD compares: South Asian, 39%; 7,320 homozygotes.

Submission:

GeneDx
Classification: Benign. Last evaluated: 2018-06-14. Review status: criteria provided, single submitter. Criteria: GeneDx Variant Classification (06012015). Collection method: clinical testing. Allele origin: germline. Affected: yes.
Comment: This variant is considered likely benign or benign based on one or more of the following criteria: it is a conservative change, it occurs at a poorly conserved position in the protein, it is predicted to be benign by multiple in silico algorithms, and/or has population frequency not consistent with disease.

NM_213649.2(SFXN4):c.818+169C>T

Gene: SFXN4 (sideroflexin 4; minus strand). Cytogenetic location: 10q26.11.
Variant type: single nucleotide variant.
Coding change: c.818+169C>T on transcript NM_213649.2 (MANE Select); 169 bases into the intron after coding-DNA position 818, C replaced by T.
Molecular consequence: intron variant.
Genome position (GRCh38, 1-based): chr10:119,147,606, G>A on the plus strand (C>T on the coding strand, the complement: SFXN4 is on the minus strand). VCF-style: chr10-119147606-G-A. GRCh37 (hg19) VCF-style: chr10-120907118-G-A.
Identifiers: ClinVar variation 683831 (VCV000683831.1), dbSNP rs12416178, ClinGen allele CA13171072.